The following is an entry in ClinVar:

ClinVar aggregate classification (germline): Uncertain significance (1 of 4 stars; one submission).

Conditions:
Epileptic encephalopathy. Identifiers: MedGen C0543888, HP:0200134.

Allele frequency attached by ClinVar (database versions not stated): gnomAD exomes below 0.00001; TOPMed 0.00001.
gnomAD v4.1: 2 of 1,613,938 alleles (0.00012%); highest among the groups gnomAD compares: African/African-American, 0.0013%; no homozygotes.

Submission:

Labcorp Genetics (formerly Invitae), Labcorp
Classification: Uncertain significance for Epileptic encephalopathy. Last evaluated: 2022-02-02. Review status: criteria provided, single submitter. Criteria: Invitae Variant Classification Sherloc (09022015). Collection method: clinical testing. Allele origin: germline.
Comment: In summary, the available evidence is currently insufficient to determine the role of this variant in disease. Therefore, it has been classified as a Variant of Uncertain Significance. Algorithms developed to predict the effect of missense changes on protein structure and function are either unavailable or do not agree on the potential impact of this missense change (SIFT: "Deleterious"; PolyPhen-2: "Benign"; Align-GVGD: "Class C0"). ClinVar contains an entry for this variant (Variation ID: 572764). This variant has not been reported in the literature in individuals affected with RYR3-related conditions. This variant is present in population databases (no rsID available, gnomAD 0.007%). This sequence change replaces leucine, which is neutral and non-polar, with valine, which is neutral and non-polar, at codon 4717 of the RYR3 protein (p.Leu4717Val).

NM_001036.6(RYR3):c.14149C>G (p.Leu4717Val)

Genes: AVEN (apoptosis and caspase activation inhibitor; minus strand), RYR3 (ryanodine receptor 3; plus strand). Cytogenetic location: 15q14.
Variant type: single nucleotide variant.
Coding change: c.14149C>G on transcript NM_001036.6 (MANE Select); coding-DNA position 14149, C replaced by G.
Protein change: p.Leu4717Val; replaces leucine 4717 with valine.
Molecular consequence: missense variant.
Genome position (GRCh38, 1-based): chr15:33,859,581, C>G. VCF-style: chr15-33859581-C-G. GRCh37 (hg19) VCF-style: chr15-34151782-C-G.
Other names: c.14134C>G, p.Leu4712Val (NM_001243996.4); short protein forms L4717V, L4712V.
Identifiers: ClinVar variation 572764 (VCV000572764.10), dbSNP rs972426377, ClinGen allele CA268559769.